The following is an entry in ClinVar:

ClinVar aggregate classification (germline): Pathogenic (1 of 4 stars; one submission).

Conditions:
Myofibrillar myopathy 5. Also called: FILAMINOPATHY, AUTOSOMAL DOMINANT; Filaminopathy (type). Identifiers: Orphanet 171445, MedGen C1836050, MONDO:0012289, OMIM 609524.
Distal myopathy with posterior leg and anterior hand involvement. Also called: WILLIAMS DISTAL MYOPATHY. Identifiers: Orphanet 63273, MedGen C3279722, MONDO:0013550, OMIM 614065.
Hypertrophic cardiomyopathy 26. Also called: Cardiomyopathy, familial hypertrophic, 26. Identifiers: Orphanet 75249, MedGen C4310749, MONDO:0014883, OMIM 617047.

Submission:

Labcorp Genetics (formerly Invitae), Labcorp
Classification: Pathogenic for Distal myopathy with posterior leg and anterior hand involvement; Myofibrillar myopathy 5; Hypertrophic cardiomyopathy 26. Last evaluated: 2022-07-05. Review status: criteria provided, single submitter. Criteria: Invitae Variant Classification Sherloc (09022015). Collection method: clinical testing. Allele origin: germline.
Comment: For these reasons, this variant has been classified as Pathogenic. This variant has not been reported in the literature in individuals affected with FLNC-related conditions. This variant is not present in population databases (gnomAD no frequency). This sequence change creates a premature translational stop signal (p.Ser2586Asnfs*29) in the FLNC gene. It is expected to result in an absent or disrupted protein product. Loss-of-function variants in FLNC are known to be pathogenic (PMID: 27908349).

Literature cited by the submitters: PubMed 27908349.

NM_001458.5(FLNC):c.7757_7758delinsA (p.Ser2586fs)

Genes: FLNC (filamin C; plus strand), FLNC-AS1 (FLNC antisense RNA 1; minus strand). Cytogenetic location: 7q32.1.
Variant type: Indel.
Coding change: c.7757_7758delinsA on transcript NM_001458.5 (MANE Select); coding-DNA positions 7757 to 7758, GC replaced by A.
Protein change: p.Ser2586fs; shifts the reading frame from serine 2586.
Molecular consequence: frameshift variant.
Genome position (GRCh38, 1-based): chr7:128,857,313-128,857,314, GC replaced by A. VCF-style: chr7-128857313-GC-A. GRCh37 (hg19) VCF-style: chr7-128497367-GC-A.
Other names: c.7658_7659delinsA, p.Ser2553fs (NM_001127487.2); short protein forms S2553fs, S2586fs.
Identifiers: ClinVar variation 967987 (VCV000967987.6), dbSNP rs1809109008, ClinGen allele CA1139660244.